The following is an entry in ClinVar:

ClinVar aggregate classification (germline): Uncertain significance. Review status: criteria provided, multiple submitters, no conflicts (2 of 4 stars). 3 submissions from 3 submitters: Uncertain significance (3). Last evaluated 2025-06-06.

Conditions:
Cardiovascular phenotype. Identifiers: MedGen CN230736.
Alstrom syndrome (ALMS). Identifiers: Orphanet 64, MedGen C0268425, MONDO:0008763, OMIM 203800.

Allele frequency attached by ClinVar (database versions not stated): gnomAD exomes below 0.00001; ExAC 0.00002; TOPMed 0.00003; gnomAD 0.00004.
gnomAD v4.1: 7 of 1,613,292 alleles (0.00043%); highest among the groups gnomAD compares: African/African-American, 0.008%; no homozygotes.

Submissions (3):

Ambry Genetics
Classification: Uncertain significance for Cardiovascular phenotype. Last evaluated: 2025-06-06. Review status: criteria provided, single submitter. Criteria: Ambry Variant Classification Scheme 2023. Collection method: clinical testing. Allele origin: germline.
Comment: The c.1341+3G>A intronic variant results from a G to A substitution 3 nucleotides after coding exon 6 in the ALMS1 gene. This nucleotide position is well conserved in available vertebrate species. In silico splice site analysis predicts that this alteration will not have any significant effect on splicing. Since supporting evidence is limited at this time, the clinical significance of this alteration remains unclear.

Labcorp Genetics (formerly Invitae), Labcorp
Classification: Uncertain significance for Alstrom syndrome. Last evaluated: 2022-06-22. Review status: criteria provided, single submitter. Criteria: Invitae Variant Classification Sherloc (09022015). Collection method: clinical testing. Allele origin: germline.
Comment: This sequence change falls in intron 6 of the ALMS1 gene. It does not directly change the encoded amino acid sequence of the ALMS1 protein. It affects a nucleotide within the consensus splice site. This variant is present in population databases (rs778555094, gnomAD 0.01%). This variant has not been reported in the literature in individuals affected with ALMS1-related conditions. Variants that disrupt the consensus splice site are a relatively common cause of aberrant splicing (PMID: 17576681, 9536098). Algorithms developed to predict the effect of sequence changes on RNA splicing suggest that this variant is not likely to affect RNA splicing. In summary, the available evidence is currently insufficient to determine the role of this variant in disease. Therefore, it has been classified as a Variant of Uncertain Significance.

Breakthrough Genomics
Classification: Uncertain significance. Review status: criteria provided, single submitter. Criteria: ACMG Guidelines, 2015. Collection method: not provided. Allele origin: germline. Inheritance: Autosomal recessive inheritance. Affected: yes.

Literature cited by the submitters: PubMed 17576681 (cited by Labcorp Genetics (formerly Invitae), Labcorp); PubMed 9536098 (cited by Labcorp Genetics (formerly Invitae), Labcorp).

NM_001378454.1(ALMS1):c.1338+3G>A

Gene: ALMS1 (ALMS1 centrosome and basal body associated protein; plus strand). Cytogenetic location: 2p13.1.
Variant type: single nucleotide variant.
Coding change: c.1338+3G>A on transcript NM_001378454.1 (MANE Select); 3 bases into the intron after coding-DNA position 1338, G replaced by A.
Molecular consequence: intron variant.
Genome position (GRCh38, 1-based): chr2:73,426,556, G>A. VCF-style: chr2-73426556-G-A. GRCh37 (hg19) VCF-style: chr2-73653684-G-A.
Other names: c.1341+3G>A (NM_015120.4); c.1338+3G>A (NM_015120.4).
Identifiers: ClinVar variation 2145116 (VCV002145116.5), dbSNP rs778555094, ClinGen allele CA1713109.
Genomic context (GRCh38, chr2:73,426,556, plus strand): 5'-TGGCCTAAATGAAAATGCTGTTGTATGCAGTGAAAGAGTTGCTGAACTACAAAGAAAGGT[G>A]AGACACAATAAAATGATAGTTGTAAGAAACGTGGCCTTTTTCAGTATTGTTTCAGGAAAT-3'